The following is an entry in ClinVar:

NM_006158.5(NEFL):c.78C>T (p.Ile26=)

Gene: NEFL (neurofilament light chain; minus strand). Cytogenetic location: 8p21.2.
Variant type: single nucleotide variant.
Coding change: c.78C>T on transcript NM_006158.5 (MANE Select); coding-DNA position 78, C replaced by T.
Protein change: p.Ile26=; no amino-acid change (isoleucine 26 retained).
Molecular consequence: synonymous variant.
Genome position (GRCh38, 1-based): chr8:24,956,438, G>A on the plus strand (C>T on the coding strand, the complement: NEFL is on the minus strand). VCF-style: chr8-24956438-G-A. GRCh37 (hg19) VCF-style: chr8-24813952-G-A.
Other names: c.78C>T (NM_006158.4).
Identifiers: ClinVar variation 4682220 (VCV004682220.2).

ClinVar aggregate classification (germline): Conflicting classifications of pathogenicity. Review status: criteria provided, conflicting classifications (1 of 4 stars). 2 submissions from 2 submitters: Uncertain significance (1); Likely benign (1). Last evaluated 2025-03-20.

Conditions:
NEFL-related disorder. Also called: NEFL-related condition.

gnomAD v4.1: 46 of 1,603,838 alleles (0.0029%); highest among the groups gnomAD compares: African/African-American, 0.004%; no homozygotes.

Submissions (2):

PreventionGenetics, part of Exact Sciences
Classification: Likely benign for NEFL-related condition. Last evaluated: 2025-03-20. Review status: criteria provided, single submitter. Criteria: ACMG Guidelines, 2015. Collection method: clinical testing. Allele origin: germline.
Comment: This variant is classified as likely benign based on ACMG/AMP sequence variant interpretation guidelines (Richards et al. 2015 PMID: 25741868, with internal and published modifications).

Athena Diagnostics
Classification: Uncertain significance. Last evaluated: 2025-03-14. Review status: criteria provided, single submitter. Criteria: Athena Diagnostics Criteria. Collection method: clinical testing. Allele origin: unknown.
Comment: Available data are insufficient to determine the clinical significance of the variant at this time. The frequency of this variant in the general population is uninformative in assessment of its pathogenicity. Computational tools yielded predictions that this variant is unlikely to have an effect on normal RNA splicing.